The following is an entry in ClinVar:

ClinVar aggregate classification (germline): Uncertain significance (1 of 4 stars; one submission).

gnomAD v4.1: 1 of 1,465,084 alleles (0.000068%); no homozygotes.

Submission:

Labcorp Genetics (formerly Invitae), Labcorp
Classification: Uncertain significance. Last evaluated: 2024-10-24. Review status: criteria provided, single submitter. Criteria: Invitae Variant Classification Sherloc (09022015). Collection method: clinical testing. Allele origin: germline.
Comment: This sequence change replaces arginine, which is basic and polar, with proline, which is neutral and non-polar, at codon 1309 of the NOTCH3 protein (p.Arg1309Pro). This variant is not present in population databases (gnomAD no frequency). This variant has not been reported in the literature in individuals affected with NOTCH3-related conditions. Invitae Evidence Modeling of protein sequence and biophysical properties (such as structural, functional, and spatial information, amino acid conservation, physicochemical variation, residue mobility, and thermodynamic stability) indicates that this missense variant is not expected to disrupt NOTCH3 protein function with a negative predictive value of 95%. In summary, the available evidence is currently insufficient to determine the role of this variant in disease. Therefore, it has been classified as a Variant of Uncertain Significance.

NM_000435.3(NOTCH3):c.3926G>C (p.Arg1309Pro)

Gene: NOTCH3 (notch receptor 3; minus strand). Cytogenetic location: 19p13.12.
Variant type: single nucleotide variant.
Coding change: c.3926G>C on transcript NM_000435.3 (MANE Select); coding-DNA position 3926, G replaced by C.
Protein change: p.Arg1309Pro; replaces arginine 1309 with proline.
Molecular consequence: missense variant.
Genome position (GRCh38, 1-based): chr19:15,178,002, C>G on the plus strand (G>C on the coding strand, the complement: NOTCH3 is on the minus strand). VCF-style: chr19-15178002-C-G. GRCh37 (hg19) VCF-style: chr19-15288813-C-G.
Other names: short protein forms R1309P.
Identifiers: ClinVar variation 2842339 (VCV002842339.3), dbSNP rs1599378895, ClinGen allele CA404506191.
Genomic context (GRCh38, chr19:15,178,002, plus strand): 5'-CCCGGGAAGCTGCGGCAGGAGGGTCCCGACAACCCTGGGGGGCAGGCGCAGCGCGGCCCG[C>G]GGGGCGTCTGCTGGCATGGGACGCCCACCGGGCACTGCAGCTCCCGGCAGGAGCGCGCCA-3'
Protein context (NP_000426.2, residues 1299-1319): PVGVPCQQTP[Arg1309Pro]GPRCACPPGL